The following is an entry in ClinVar:

NM_030928.4(CDT1):c.1588G>A (p.Ala530Thr)

Gene: CDT1 (chromatin licensing and DNA replication factor 1; plus strand). Cytogenetic location: 16q24.3.
Variant type: single nucleotide variant.
Coding change: c.1588G>A on transcript NM_030928.4 (MANE Select); coding-DNA position 1588, G replaced by A.
Protein change: p.Ala530Thr; replaces alanine 530 with threonine.
Molecular consequence: missense variant.
Genome position (GRCh38, 1-based): chr16:88,808,225, G>A. VCF-style: chr16-88808225-G-A. GRCh37 (hg19) VCF-style: chr16-88874633-G-A.
Other names: short protein forms A530T.
Identifiers: ClinVar variation 1485837 (VCV001485837.5), dbSNP rs373841167, ClinGen allele CA8234252.
Genomic context (GRCh38, chr16:88,808,225, plus strand): 5'-CTCAGCCTCCACCGCATCCGCACCGACACCTACGTCAAGCTGGACAAGGCCGCGGACCTC[G>A]CCCACATCACTGCACGCCTGGCCCACCAGACACGTGCTGAGGAGGGGCTGTGAGCCTGGG-3'
Protein context (NP_112190.2, residues 520-540): YVKLDKAADL[Ala530Thr]HITARLAHQT

ClinVar aggregate classification (germline): Uncertain significance (1 of 4 stars; one submission).

Allele frequency attached by ClinVar (database versions not stated): gnomAD 0.00001; ESP Exome Variant Server 0.00008; gnomAD exomes 0.00016; TOPMed 0.00003; ExAC 0.00021.

Submission:

Labcorp Genetics (formerly Invitae), Labcorp
Classification: Uncertain significance. Last evaluated: 2022-08-23. Review status: criteria provided, single submitter. Criteria: Invitae Variant Classification Sherloc (09022015). Collection method: clinical testing. Allele origin: germline.
Comment: This sequence change replaces alanine, which is neutral and non-polar, with threonine, which is neutral and polar, at codon 530 of the CDT1 protein (p.Ala530Thr). This variant is present in population databases (rs373841167, gnomAD 0.1%). This variant has not been reported in the literature in individuals affected with CDT1-related conditions. ClinVar contains an entry for this variant (Variation ID: 1485837). Algorithms developed to predict the effect of missense changes on protein structure and function (SIFT, PolyPhen-2, Align-GVGD) all suggest that this variant is likely to be tolerated. In summary, the available evidence is currently insufficient to determine the role of this variant in disease. Therefore, it has been classified as a Variant of Uncertain Significance.